The following is an entry in ClinVar:

NC_012920.1(MT-ND2):m.5010T>C

Gene: MT-ND2 (mitochondrially encoded NADH dehydrogenase 2; plus strand).
Variant type: single nucleotide variant.
Genome position: chrM-5010-T-C.
Identifiers: ClinVar variation 692534 (VCV000692534.1), dbSNP rs1603219718, ClinGen allele CA414778478.

ClinVar aggregate classification (germline): Uncertain significance (1 of 4 stars; one submission).

Conditions:
Leigh syndrome (NULS). Also called: Leigh's necrotizing encephalopathy; Leigh's disease; Leigh Syndrome (mtDNA deletion); Leigh Disease; Subacute necrotizing encephalopathy; Necrotizing encephalopathy infantile subacute of Leigh. Identifiers: Orphanet 506, MedGen C2931891, MONDO:0009723, OMIM 256000.

Submission:

Wong Mito Lab, Molecular and Human Genetics, Baylor College of Medicine
Classification: Uncertain significance for Leigh syndrome. Last evaluated: 2019-10-17. Review status: criteria provided, single submitter. Criteria: Modified ACMG Guidelines (Unpublished). Collection method: clinical testing. Allele origin: germline.
Comment: The NC_012920.1:m.5010T>C (YP_003024027.1:p.Tyr181His) variant in MTND2 gene is interpretated to be a Uncertain Significance variant based on the modified ACMG guidelines (unpublished). This variant meets the following evidence codes: PP7